The following is an entry in ClinVar:

ClinVar aggregate classification (germline): Uncertain significance (1 of 4 stars; one submission).

Submission:

Labcorp Genetics (formerly Invitae), Labcorp
Classification: Uncertain significance. Last evaluated: 2024-12-23. Review status: criteria provided, single submitter. Criteria: Invitae Variant Classification Sherloc (09022015). Collection method: clinical testing. Allele origin: germline.
Comment: This sequence change replaces arginine, which is basic and polar, with glycine, which is neutral and non-polar, at codon 15 of the NCSTN protein (p.Arg15Gly). This variant is not present in population databases (gnomAD no frequency). This variant has not been reported in the literature in individuals affected with NCSTN-related conditions. An algorithm developed to predict the effect of missense changes on protein structure and function (PolyPhen-2) suggests that this variant is likely to be tolerated. In summary, the available evidence is currently insufficient to determine the role of this variant in disease. Therefore, it has been classified as a Variant of Uncertain Significance.

NM_015331.3(NCSTN):c.43C>G (p.Arg15Gly)

Gene: NCSTN (nicastrin; plus strand). Cytogenetic location: 1q23.2.
Variant type: single nucleotide variant.
Coding change: c.43C>G on transcript NM_015331.3 (MANE Select); coding-DNA position 43, C replaced by G.
Protein change: p.Arg15Gly; replaces arginine 15 with glycine.
Molecular consequence: missense variant. On other transcripts: 5 prime UTR variant (1).
Genome position (GRCh38, 1-based): chr1:160,343,439, C>G. VCF-style: chr1-160343439-C-G. GRCh37 (hg19) VCF-style: chr1-160313229-C-G.
Other names: c.-157C>G (NM_001290184.2); c.43C>G, p.Arg15Gly (NM_001290186.2, NM_001349729.2); short protein forms R15G.
Identifiers: ClinVar variation 3727874 (VCV003727874.2).